The following is an entry in ClinVar:

NM_006516.4(SLC2A1):c.836dup (p.Leu280fs)

Gene: SLC2A1 (solute carrier family 2 member 1; minus strand). Cytogenetic location: 1p34.2.
Variant type: Duplication.
Coding change: c.836dup on transcript NM_006516.4 (MANE Select); coding-DNA position 836, one base duplicated (A; older notation c.836dupA).
Protein change: p.Leu280fs; shifts the reading frame from leucine 280.
Molecular consequence: frameshift variant.
Genome position (GRCh38, 1-based): chr1:42,929,624, T duplicated on the plus strand (A on the coding strand, the reverse complement: SLC2A1 is on the minus strand). VCF-style (leftmost placement, unchanged base first): chr1-42929623-C-CT. GRCh37 (hg19) VCF-style: chr1-43395294-C-CT.
Other names: short protein forms L280fs.
Identifiers: ClinVar variation 2748411 (VCV002748411.3), dbSNP rs2524991460, ClinGen allele CA2697552358.

ClinVar aggregate classification (germline): Pathogenic (1 of 4 stars; one submission).

Conditions:
GLUT1 deficiency syndrome 1, autosomal recessive. Identifiers: MedGen C3149117.

Submission:

Labcorp Genetics (formerly Invitae), Labcorp
Classification: Pathogenic for GLUT1 deficiency syndrome 1, autosomal recessive. Last evaluated: 2023-07-30. Review status: criteria provided, single submitter. Criteria: Invitae Variant Classification Sherloc (09022015). Collection method: clinical testing. Allele origin: germline.
Comment: For these reasons, this variant has been classified as Pathogenic. This variant has not been reported in the literature in individuals affected with SLC2A1-related conditions. This variant is not present in population databases (gnomAD no frequency). This sequence change creates a premature translational stop signal (p.Leu280Alafs*101) in the SLC2A1 gene. It is expected to result in an absent or disrupted protein product. Loss-of-function variants in SLC2A1 are known to be pathogenic (PMID: 21832227, 26193382).

Literature cited by the submitters: PubMed 21832227; PubMed 26193382.